The following is an entry in ClinVar:

NM_000799.4(EPO):c.521A>G (p.Asn174Ser)

Gene: EPO (erythropoietin; plus strand). Cytogenetic location: 7q22.1.
Variant type: single nucleotide variant.
Coding change: c.521A>G on transcript NM_000799.4 (MANE Select); coding-DNA position 521, A replaced by G.
Protein change: p.Asn174Ser; replaces asparagine 174 with serine.
Molecular consequence: missense variant.
Genome position (GRCh38, 1-based): chr7:100,723,072, A>G. VCF-style: chr7-100723072-A-G. GRCh37 (hg19) VCF-style: chr7-100320695-A-G.
Other names: short protein forms N174S.
Identifiers: ClinVar variation 2390635 (VCV002390635.3), dbSNP rs778175956, ClinGen allele CA4389586.

ClinVar aggregate classification (germline): Uncertain significance. Review status: criteria provided, single submitter (1 of 4 stars). 2 submissions from 2 submitters: Uncertain significance (1). 1 of the submissions does not count toward it. Last evaluated 2021-09-27.

Conditions:
EPO-related disorder. Also called: EPO-related condition.

Allele frequency attached by ClinVar (database versions not stated): gnomAD exomes 0.00003; TOPMed 0.00003; gnomAD 0.00005; ExAC 0.00007.

Submissions (2):

Ambry Genetics
Classification: Uncertain significance. Last evaluated: 2021-09-27. Review status: criteria provided, single submitter. Criteria: Ambry Variant Classification Scheme 2023. Collection method: clinical testing. Allele origin: germline.

PreventionGenetics, part of Exact Sciences
Classification: Uncertain significance for EPO-related condition. Last evaluated: 2024-04-17. Review status: no assertion criteria provided. Collection method: clinical testing. Allele origin: germline. Not counted in ClinVar's aggregate classification.
Comment: The EPO c.521A>G variant is predicted to result in the amino acid substitution p.Asn174Ser. To our knowledge, this variant has not been reported in the literature. This variant is reported in 0.024% of alleles in individuals of European (Finnish) descent in gnomAD. At this time, the clinical significance of this variant is uncertain due to the absence of conclusive functional and genetic evidence.